The following is an entry in ClinVar:

NM_001211.6(BUB1B):c.3047C>G (p.Ala1016Gly)

Genes: BUB1B (BUB1 mitotic checkpoint serine/threonine kinase B; plus strand), BUB1B-PAK6 (BUB1B-PAK6 readthrough; plus strand). Cytogenetic location: 15q15.1.
Variant type: single nucleotide variant.
Coding change: c.3047C>G on transcript NM_001211.6 (MANE Select); coding-DNA position 3047, C replaced by G.
Protein change: p.Ala1016Gly; replaces alanine 1016 with glycine.
Molecular consequence: missense variant. On other transcripts: intron variant (2).
Genome position (GRCh38, 1-based): chr15:40,220,653, C>G. VCF-style: chr15-40220653-C-G. GRCh37 (hg19) VCF-style: chr15-40512854-C-G.
Other names: c.-201+2986C>G (NM_001128628.3); c.-118+2986C>G (NM_001128629.3); short protein forms A1016G.
Identifiers: ClinVar variation 4867987 (VCV004867987.1).
Genomic context (GRCh38, chr15:40,220,653, plus strand): 5'-TCTTTGTGCGGATTCTGAATGCCAATGATGAGGCCACAGTGTCTGTTCTTGGGGAGCTTG[C>G]AGCAGAAATGAATGGGGTTTTTGACACTACATTCCAAAGTCACCTGAACAAAGCCTTATG-3'
Protein context (NP_001202.5, residues 1006-1026): EATVSVLGEL[Ala1016Gly]AEMNGVFDTT

ClinVar aggregate classification (germline): Uncertain significance (1 of 4 stars; one submission).

Conditions:
Inborn genetic diseases. Identifiers: MedGen C0950123, MeSH D030342.

Submission:

Ambry Genetics
Classification: Uncertain significance for Inborn genetic diseases. Last evaluated: 2026-03-29. Review status: criteria provided, single submitter. Criteria: Ambry Variant Classification Scheme 2023. Collection method: clinical testing. Allele origin: germline.
Comment: The p.A1016G variant (also known as c.3047C>G), located in coding exon 23 of the BUB1B gene, results from a C to G substitution at nucleotide position 3047. The alanine at codon 1016 is replaced by glycine, an amino acid with similar properties. This amino acid position is conserved. In addition, this alteration is predicted to be tolerated by in silico analysis. Based on the available evidence, the clinical significance of this variant remains unclear.